The following is an entry in ClinVar:

ClinVar aggregate classification (germline): Uncertain significance. Review status: criteria provided, multiple submitters, no conflicts (2 of 4 stars). 2 submissions from 2 submitters: Uncertain significance (2). Last evaluated 2024-05-29.

Conditions:
Inborn genetic diseases. Identifiers: MedGen C0950123, MeSH D030342.

Allele frequency attached by ClinVar (database versions not stated): gnomAD exomes below 0.00001; TOPMed below 0.00001; ExAC 0.00001; gnomAD 0.00001.
gnomAD v4.1: 10 of 1,614,062 alleles (0.00062%); highest among the groups gnomAD compares: Admixed American, 0.0033%; no homozygotes.

Submissions (2):

Labcorp Genetics (formerly Invitae), Labcorp
Classification: Uncertain significance. Last evaluated: 2024-05-29. Review status: criteria provided, single submitter. Criteria: Invitae Variant Classification Sherloc (09022015). Collection method: clinical testing. Allele origin: germline.
Comment: This sequence change replaces lysine, which is basic and polar, with arginine, which is basic and polar, at codon 422 of the MYO5B protein (p.Lys422Arg). This variant is present in population databases (rs763585606, gnomAD 0.006%). This variant has not been reported in the literature in individuals affected with MYO5B-related conditions. ClinVar contains an entry for this variant (Variation ID: 1919640). Advanced modeling of protein sequence and biophysical properties (such as structural, functional, and spatial information, amino acid conservation, physicochemical variation, residue mobility, and thermodynamic stability) performed at Invitae indicates that this missense variant is not expected to disrupt MYO5B protein function with a negative predictive value of 80%. In summary, the available evidence is currently insufficient to determine the role of this variant in disease. Therefore, it has been classified as a Variant of Uncertain Significance.

Ambry Genetics
Classification: Uncertain significance for Inborn genetic diseases. Last evaluated: 2023-09-13. Review status: criteria provided, single submitter. Criteria: Ambry Variant Classification Scheme 2023. Collection method: clinical testing. Allele origin: germline.

NM_001080467.3(MYO5B):c.1265A>G (p.Lys422Arg)

Gene: MYO5B (myosin VB; minus strand). Cytogenetic location: 18q21.1.
Variant type: single nucleotide variant.
Coding change: c.1265A>G on transcript NM_001080467.3 (MANE Select); coding-DNA position 1265, A replaced by G.
Protein change: p.Lys422Arg; replaces lysine 422 with arginine.
Molecular consequence: missense variant.
Genome position (GRCh38, 1-based): chr18:49,974,407, T>C on the plus strand (A>G on the coding strand, the complement: MYO5B is on the minus strand). VCF-style: chr18-49974407-T-C. GRCh37 (hg19) VCF-style: chr18-47500777-T-C.
Other names: c.1265A>G (NM_001080467.2); short protein forms K422R.
Identifiers: ClinVar variation 1919640 (VCV001919640.7), dbSNP rs763585606, ClinGen allele CA8961594.
Genomic context (GRCh38, chr18:49,974,407, plus strand): 5'-TACCCATAGATGTCCAGGACCCCGATGAAGGAGTGCTGCTTGAGGGAGGTGTGCAGGGCC[T>C]TGTTGATGTGCTCCACAATCCAGCCGAACAACTGGGCATAGATGTGCTTCGCCAGGGCGT-3'
Protein context (NP_001073936.1, residues 412-432): LFGWIVEHIN[Lys422Arg]ALHTSLKQHS